The following is an entry in ClinVar:

NM_006096.4(NDRG1):c.199A>G (p.Met67Val)

Gene: NDRG1 (N-myc downstream regulated 1; minus strand). Cytogenetic location: 8q24.22.
Variant type: single nucleotide variant.
Coding change: c.199A>G on transcript NM_006096.4 (MANE Select); coding-DNA position 199, A replaced by G.
Protein change: p.Met67Val; replaces methionine 67 with valine.
Molecular consequence: missense variant. On other transcripts: initiator codon variant (2), intron variant (1).
Genome position (GRCh38, 1-based): chr8:133,264,553, T>C on the plus strand (A>G on the coding strand, the complement: NDRG1 is on the minus strand). VCF-style: chr8-133264553-T-C. GRCh37 (hg19) VCF-style: chr8-134276796-T-C.
Other names: c.199A>G, p.Met67Val (NM_001135242.2, NM_001374844.1, NM_001374845.1 and 1 more transcripts); c.1A>G, p.Met1Val (NM_001258432.2, NM_001374847.1); c.-38-2386A>G (NM_001258433.2); short protein forms M67V, M1V.
Identifiers: ClinVar variation 362040 (VCV000362040.31), dbSNP rs2233319, ClinGen allele CA4886857.

ClinVar aggregate classification (germline): Benign/Likely benign. Review status: criteria provided, multiple submitters, no conflicts (2 of 4 stars). 8 submissions from 8 submitters: Benign (6); Likely benign (2). Last evaluated 2026-01-31.

Conditions:
Charcot-Marie-Tooth disease type 4. Also called: Charcot-Marie-Tooth, Type 4; Charcot-Marie-Tooth disease, type IV. Identifiers: Orphanet 64749, MedGen C4082197, MONDO:0018995.
Charcot-Marie-Tooth disease type 4D. Also called: CHARCOT-MARIE-TOOTH DISEASE, DEMYELINATING, AUTOSOMAL RECESSIVE, TYPE 4D; NEUROPATHY, HEREDITARY MOTOR AND SENSORY, LOM TYPE; Charcot-Marie-Tooth Neuropathy Type 4D; CHARCOT-MARIE-TOOTH DISEASE, DEMYELINATING, TYPE 4D. Identifiers: Orphanet 99950, MedGen C1832334, MONDO:0011085, OMIM 601455.
Charcot-Marie-Tooth disease. Also called: Charcot-Marie-Tooth Neuropathy; Charcot-Marie-Tooth Hereditary Neuropathy. Identifiers: Orphanet 166, MedGen C0007959, MONDO:0015626.

Allele frequency attached by ClinVar (database versions not stated): gnomAD exomes 0.00093 and 0.00239; ExAC 0.00281; gnomAD 0.00778 and 0.00829; TOPMed 0.00890; ESP Exome Variant Server 0.00907; 1000 Genomes Project 0.01358; 1000 Genomes Project 30x 0.01374.
gnomAD v4.1: 2,632 of 1,614,166 alleles (0.16%); highest among the groups gnomAD compares: African/African-American, 2.5%; 26 homozygotes.

Submissions (8):

Labcorp Genetics (formerly Invitae), Labcorp
Classification: Benign for Charcot-Marie-Tooth disease type 4. Last evaluated: 2026-01-31. Review status: criteria provided, single submitter. Criteria: Invitae Variant Classification Sherloc (09022015). Collection method: clinical testing. Allele origin: germline.

Athena Diagnostics
Classification: Benign. Last evaluated: 2025-09-22. Review status: criteria provided, single submitter. Criteria: Athena Diagnostics Criteria. Collection method: clinical testing. Allele origin: unknown.
Comment: The frequency of this variant in the general population is higher than would generally be expected for pathogenic variants in this gene. Computational tools predict this amino acid change may be benign.

ARUP Laboratories, Molecular Genetics and Genomics, ARUP Laboratories
Classification: Benign for Charcot-Marie-Tooth disease type 4D. Last evaluated: 2019-11-07. Review status: criteria provided, single submitter. Criteria: ARUP Molecular Germline Variant Investigation Process. Collection method: clinical testing. Allele origin: germline.

Illumina Laboratory Services, Illumina
Classification: Benign for Charcot-Marie-Tooth disease type 4D. Last evaluated: 2018-01-13. Review status: criteria provided, single submitter. Criteria: ICSL Variant Classification Criteria 13 December 2019. Collection method: clinical testing. Allele origin: germline.
Comment: This variant was observed in the ICSL laboratory as part of a predisposition screen in an ostensibly healthy population. It had not been previously curated by ICSL or reported in the Human Gene Mutation Database (HGMD: prior to June 1st, 2018), and was therefore a candidate for classification through an automated scoring system. Utilizing variant allele frequency, disease prevalence and penetrance estimates, and inheritance mode, an automated score was calculated to assess if this variant is too frequent to cause the disease. Based on the score and internal cut-off values, a variant classified as benign is not then subjected to further curation. The score for this variant resulted in a classification of benign for this disease.

Mayo Clinic Laboratories, Mayo Clinic
Classification: Benign. Last evaluated: 2016-03-10. Review status: criteria provided, single submitter. Criteria: ACMG Guidelines, 2015. Collection method: clinical testing. Allele origin: germline. Observed: 5 variant alleles.

GeneDx
Classification: Benign. Last evaluated: 2015-03-03. Review status: criteria provided, single submitter. Criteria: GeneDx Variant Classification Process June 2021. Collection method: clinical testing. Allele origin: germline. Affected: yes.

Breakthrough Genomics
Classification: Likely benign. Review status: criteria provided, single submitter. Criteria: ACMG Guidelines, 2015. Collection method: not provided. Allele origin: germline. Inheritance: Autosomal recessive inheritance. Affected: yes.

Molecular Genetics Laboratory, London Health Sciences Centre
Classification: Likely benign for Charcot-Marie-Tooth disease. Review status: criteria provided, single submitter. Criteria: ACMG Guidelines, 2015. Collection method: clinical testing. Allele origin: germline. Affected: yes.